The following is an entry in ClinVar:

ClinVar aggregate classification (germline): Uncertain significance (1 of 4 stars; one submission).

Conditions:
Cardiovascular phenotype. Identifiers: MedGen CN230736.

Submission:

Ambry Genetics
Classification: Uncertain significance for Cardiovascular phenotype. Last evaluated: 2025-08-28. Review status: criteria provided, single submitter. Criteria: Ambry Variant Classification Scheme 2023. Collection method: clinical testing. Allele origin: germline.
Comment: The p.N138H variant (also known as c.412A>C), located in coding exon 1 of the FOXE3 gene, results from an A to C substitution at nucleotide position 412. The asparagine at codon 138 is replaced by histidine, an amino acid with similar properties. This amino acid position is conserved. In addition, this alteration is predicted to be tolerated by in silico analysis. Based on the available evidence, the clinical significance of this variant remains unclear.

NM_012186.3(FOXE3):c.412A>C (p.Asn138His)

Genes: LINC01389 (long intergenic non-protein coding RNA 1389; minus strand), FOXE3 (forkhead box E3; plus strand). Cytogenetic location: 1p33.
Variant type: single nucleotide variant.
Coding change: c.412A>C on transcript NM_012186.3 (MANE Select); coding-DNA position 412, A replaced by C.
Protein change: p.Asn138His; replaces asparagine 138 with histidine.
Molecular consequence: missense variant.
Genome position (GRCh38, 1-based): chr1:47,416,727, A>C. VCF-style: chr1-47416727-A-C. GRCh37 (hg19) VCF-style: chr1-47882399-A-C.
Other names: short protein forms N138H.
Identifiers: ClinVar variation 4259180 (VCV004259180.1).